The following is an entry in ClinVar:

ClinVar aggregate classification (germline): Uncertain significance. Review status: criteria provided, multiple submitters, no conflicts (2 of 4 stars). 3 submissions from 3 submitters: Uncertain significance (3). Last evaluated 2026-04-22.

Conditions:
Monogenic short statue.

Allele frequency attached by ClinVar (database versions not stated): gnomAD 0.00001; 1000 Genomes Project 30x 0.00016; TOPMed below 0.00001; ExAC 0.00003; 1000 Genomes Project 0.00020.
gnomAD v4.1: 24 of 1,581,734 alleles (0.0015%); highest among the groups gnomAD compares: Middle Eastern, 0.017%; no homozygotes.

Submissions (3):

NHS Central & South Genomic Laboratory Hub
Classification: Uncertain significance for Monogenic short statue. Last evaluated: 2026-04-22. Review status: criteria provided, single submitter. Criteria: ACMG Guidelines, 2015. Collection method: clinical testing. Allele origin: germline. Affected: yes.

Revvity Omics, Revvity
Classification: Uncertain significance. Last evaluated: 2024-07-05. Review status: criteria provided, single submitter. Criteria: ACMG Guidelines, 2015. Collection method: clinical testing. Allele origin: germline.

Labcorp Genetics (formerly Invitae), Labcorp
Classification: Uncertain significance. Last evaluated: 2023-08-17. Review status: criteria provided, single submitter. Criteria: Invitae Variant Classification Sherloc (09022015). Collection method: clinical testing. Allele origin: germline.
Comment: In summary, the available evidence is currently insufficient to determine the role of this variant in disease. Therefore, it has been classified as a Variant of Uncertain Significance. Advanced modeling of protein sequence and biophysical properties (such as structural, functional, and spatial information, amino acid conservation, physicochemical variation, residue mobility, and thermodynamic stability) performed at Invitae indicates that this missense variant is not expected to disrupt ACAN protein function. This variant has not been reported in the literature in individuals affected with ACAN-related conditions. This variant is present in population databases (rs545729531, gnomAD 0.007%). This sequence change replaces alanine, which is neutral and non-polar, with threonine, which is neutral and polar, at codon 346 of the ACAN protein (p.Ala346Thr).

NM_001369268.1(ACAN):c.1036G>A (p.Ala346Thr)

Gene: ACAN (aggrecan; plus strand). Cytogenetic location: 15q26.1.
Variant type: single nucleotide variant.
Coding change: c.1036G>A on transcript NM_001369268.1 (MANE Select); coding-DNA position 1036, G replaced by A.
Protein change: p.Ala346Thr; replaces alanine 346 with threonine.
Molecular consequence: missense variant.
Genome position (GRCh38, 1-based): chr15:88,843,633, G>A. VCF-style: chr15-88843633-G-A. GRCh37 (hg19) VCF-style: chr15-89386864-G-A.
Other names: c.1036G>A (NM_013227.3); c.1036G>A, p.Ala346Thr (NM_001135.4, NM_001411096.1, NM_001411097.1 and 1 more transcripts); short protein forms A346T.
Identifiers: ClinVar variation 3014925 (VCV003014925.5), dbSNP rs545729531, ClinGen allele CA7719434.